The following is an entry in ClinVar:

ClinVar aggregate classification (germline): Conflicting classifications of pathogenicity. Review status: criteria provided, conflicting classifications (1 of 4 stars). 4 submissions from 4 submitters: Uncertain significance (1); Benign (3). Last evaluated 2025-12-11.

Conditions:
Gray platelet syndrome (GPS). Also called: BLEEDING DISORDER, PLATELET-TYPE, 4. Identifiers: Orphanet 721, MedGen C0272302, MONDO:0007686, OMIM 139090.

Allele frequency attached by ClinVar (database versions not stated): ESP Exome Variant Server 0.00057; TOPMed 0.00058; gnomAD 0.00065 and 0.00066; gnomAD exomes 0.00069 and 0.00141; 1000 Genomes Project 30x 0.00094; 1000 Genomes Project 0.00100; ExAC 0.00233.
gnomAD v4.1: 1,135 of 1,576,954 alleles (0.072%); highest among the groups gnomAD compares: South Asian, 0.37%; 8 homozygotes.

Submissions (4):

Labcorp Genetics (formerly Invitae), Labcorp
Classification: Benign. Last evaluated: 2025-12-11. Review status: criteria provided, single submitter. Criteria: Invitae Variant Classification Sherloc (09022015). Collection method: clinical testing. Allele origin: germline.

Mayo Clinic Laboratories, Mayo Clinic
Classification: Benign. Last evaluated: 2025-08-18. Review status: criteria provided, single submitter. Criteria: ACMG Guidelines, 2015. Collection method: clinical testing. Allele origin: germline. Observed: 1 variant allele.
Comment: BS1, BS2, BP4

Genetic Services Laboratory, University of Chicago
Classification: Benign. Last evaluated: 2021-04-02. Review status: criteria provided, single submitter. Criteria: ACMG Guidelines, 2015. Collection method: clinical testing. Allele origin: germline. Affected: no.

Illumina Laboratory Services, Illumina
Classification: Uncertain significance for Gray platelet syndrome. Last evaluated: 2018-01-13. Review status: criteria provided, single submitter. Criteria: ICSL Variant Classification Criteria 13 December 2019. Collection method: clinical testing. Allele origin: germline.

NM_015175.3(NBEAL2):c.467G>A (p.Arg156His)

Gene: NBEAL2 (neurobeachin like 2; plus strand). Cytogenetic location: 3p21.31.
Variant type: single nucleotide variant.
Coding change: c.467G>A on transcript NM_015175.3 (MANE Select); coding-DNA position 467, G replaced by A.
Protein change: p.Arg156His; replaces arginine 156 with histidine.
Molecular consequence: missense variant.
Genome position (GRCh38, 1-based): chr3:46,989,375, G>A. VCF-style: chr3-46989375-G-A. GRCh37 (hg19) VCF-style: chr3-47030865-G-A.
Other names: p.Arg156His; c.446G>A, p.Arg149His (NM_001365116.2); short protein forms R149H, R156H.
Identifiers: ClinVar variation 733336 (VCV000733336.13), dbSNP rs199797249, ClinGen allele CA2360108.